The following is an entry in ClinVar:

NM_001105206.3(LAMA4):c.4133+4T>C

Gene: LAMA4 (laminin subunit alpha 4; minus strand). Cytogenetic location: 6q21.
Variant type: single nucleotide variant.
Coding change: c.4133+4T>C on transcript NM_001105206.3 (MANE Select); 4 bases into the intron after coding-DNA position 4133, T replaced by C.
Molecular consequence: intron variant.
Genome position (GRCh38, 1-based): chr6:112,129,872, A>G on the plus strand (T>C on the coding strand, the complement: LAMA4 is on the minus strand). VCF-style: chr6-112129872-A-G. GRCh37 (hg19) VCF-style: chr6-112451074-A-G.
Other names: c.4112+4T>C (NM_002290.5, NM_001105207.3).
Identifiers: ClinVar variation 4698161 (VCV004698161.1).
Genomic context (GRCh38, chr6:112,129,872, plus strand): 5'-TTTTGCTGTTGTCTTGATTTTATTTATCAATCATGCAGATTCATTAATAATAAAAATATT[A>G]TACCTGGTAAAGTAGGCATTACTTATGCAGCCAGTGAAATTAGCATACTGAGCACTGATT-3'

ClinVar aggregate classification (germline): Uncertain significance (1 of 4 stars; one submission).

Conditions:
Dilated cardiomyopathy 1JJ (CMD1JJ). Identifiers: Orphanet 154, MedGen C3808935, MONDO:0014095, OMIM 615235.

gnomAD v4.1: 1 of 1,563,330 alleles (0.000064%); highest among the groups gnomAD compares: Non-Finnish European, 0.000087%; no homozygotes.

Submission:

Labcorp Genetics (formerly Invitae), Labcorp
Classification: Uncertain significance for Dilated cardiomyopathy 1JJ. Last evaluated: 2025-12-09. Review status: criteria provided, single submitter. Criteria: Invitae Variant Classification Sherloc (09022015). Collection method: clinical testing. Allele origin: germline.
Comment: This sequence change falls in intron 30 of the LAMA4 gene. It does not directly change the encoded amino acid sequence of the LAMA4 protein. It affects a nucleotide within the consensus splice site. This variant is not present in population databases (gnomAD no frequency). This variant has not been reported in the literature in individuals affected with LAMA4-related conditions. Variants that disrupt the consensus splice site are a relatively common cause of aberrant splicing (PMID: 17576681, 9536098). Algorithms developed to predict the effect of sequence changes on RNA splicing suggest that this variant is not likely to affect RNA splicing. In summary, the available evidence is currently insufficient to determine the role of this variant in disease. Therefore, it has been classified as a Variant of Uncertain Significance.

Literature cited by the submitters: PubMed 17576681; PubMed 9536098.